The following is an entry in ClinVar:

ClinVar aggregate classification (germline): Uncertain significance (1 of 4 stars; one submission).

Conditions:
Cornelia de Lange syndrome 1 (CDLS1). Also called: TYPUS DEGENERATIVUS AMSTELODAMENSIS; NIPBL-Related Cornelia de Lange Syndrome; Brachmann de Lange syndrome. Identifiers: Orphanet 199, MedGen C4551851, MONDO:0007387, OMIM 122470.

Submission:

Labcorp Genetics (formerly Invitae), Labcorp
Classification: Uncertain significance for Cornelia de Lange syndrome 1. Last evaluated: 2025-03-04. Review status: criteria provided, single submitter. Criteria: Invitae Variant Classification Sherloc (09022015). Collection method: clinical testing. Allele origin: germline.
Comment: This variant, c.8077_8079dup, results in the insertion of 1 amino acid(s) of the NIPBL protein (p.Asp2693dup), but otherwise preserves the integrity of the reading frame. This variant is not present in population databases (gnomAD no frequency). This variant has not been reported in the literature in individuals affected with NIPBL-related conditions. In summary, the available evidence is currently insufficient to determine the role of this variant in disease. Therefore, it has been classified as a Variant of Uncertain Significance.

NM_133433.4(NIPBL):c.8077_8079dup (p.Asp2693_Ser2694insAsp)

Gene: NIPBL (NIPBL cohesin loading factor; plus strand). Cytogenetic location: 5p13.2.
Variant type: Duplication.
Coding change: c.8077_8079dup on transcript NM_133433.4 (MANE Select); coding-DNA positions 8077 to 8079, 3 bases duplicated (GAC; older notation c.8077_8079dupGAC).
Protein change: p.Asp2693_Ser2694insAsp.
Molecular consequence: inframe insertion. On other transcripts: 3 prime UTR variant (2).
Genome position (GRCh38, 1-based): chr5:37,064,554-37,064,556, GAC duplicated. VCF-style (leftmost placement, unchanged base first): chr5-37064553-A-AGAC. GRCh37 (hg19) VCF-style: chr5-37064655-A-AGAC.
Other names: c.*21_*23dup (NM_001438586.1); c.*531_*533dup (NM_015384.5).
Identifiers: ClinVar variation 4711084 (VCV004711084.1).